The following is an entry in ClinVar:

NM_173598.6(KSR2):c.1438A>G (p.Asn480Asp)

Gene: KSR2 (kinase suppressor of ras 2; minus strand). Cytogenetic location: 12q24.22.
Variant type: single nucleotide variant.
Coding change: c.1438A>G on transcript NM_173598.6 (MANE Select); coding-DNA position 1438, A replaced by G.
Protein change: p.Asn480Asp; replaces asparagine 480 with aspartic acid.
Molecular consequence: missense variant.
Genome position (GRCh38, 1-based): chr12:117,555,249, T>C on the plus strand (A>G on the coding strand, the complement: KSR2 is on the minus strand). VCF-style: chr12-117555249-T-C. GRCh37 (hg19) VCF-style: chr12-117993054-T-C.
Other names: short protein forms N480D.
Identifiers: ClinVar variation 3345936 (VCV003345936.1).

ClinVar aggregate classification (germline): Uncertain significance (0 of 4 stars; one submission).

Conditions:
KSR2-related disorder. Also called: KSR2-related condition.

Submission:

PreventionGenetics, part of Exact Sciences
Classification: Uncertain significance for KSR2-related condition. Last evaluated: 2024-05-31. Review status: no assertion criteria provided. Collection method: clinical testing. Allele origin: germline.
Comment: The KSR2 c.1351A>G variant is predicted to result in the amino acid substitution p.Asn451Asp. To our knowledge, this variant has not been reported in the literature or in a large population database, indicating this variant is rare. At this time, the clinical significance of this variant is uncertain due to the absence of conclusive functional and genetic evidence.